The following is an entry in ClinVar:

NM_030962.4(SBF2):c.1028C>T (p.Thr343Ile)

Gene: SBF2 (SET binding factor 2; minus strand). Cytogenetic location: 11p15.4.
Variant type: single nucleotide variant.
Coding change: c.1028C>T on transcript NM_030962.4 (MANE Select); coding-DNA position 1028, C replaced by T.
Protein change: p.Thr343Ile; replaces threonine 343 with isoleucine.
Molecular consequence: missense variant.
Genome position (GRCh38, 1-based): chr11:9,993,946, G>A on the plus strand (C>T on the coding strand, the complement: SBF2 is on the minus strand). VCF-style: chr11-9993946-G-A. GRCh37 (hg19) VCF-style: chr11-10015493-G-A.
Other names: c.1064C>T, p.Thr355Ile (NM_001425070.1, NM_001424318.1, NM_001425069.1); c.1028C>T, p.Thr343Ile (NM_001386339.1, NM_001386342.1); short protein forms T355I, T343I.
Identifiers: ClinVar variation 2864154 (VCV002864154.3), dbSNP rs2496119918, ClinGen allele CA379638273.

ClinVar aggregate classification (germline): Uncertain significance (1 of 4 stars; one submission).

Conditions:
Charcot-Marie-Tooth disease type 4. Also called: Charcot-Marie-Tooth disease, type IV; Charcot-Marie-Tooth, Type 4. Identifiers: Orphanet 64749, MedGen C4082197, MONDO:0018995.

Submission:

Labcorp Genetics (formerly Invitae), Labcorp
Classification: Uncertain significance for Charcot-Marie-Tooth disease type 4. Last evaluated: 2023-05-13. Review status: criteria provided, single submitter. Criteria: Invitae Variant Classification Sherloc (09022015). Collection method: clinical testing. Allele origin: germline.
Comment: In summary, the available evidence is currently insufficient to determine the role of this variant in disease. Therefore, it has been classified as a Variant of Uncertain Significance. Advanced modeling of protein sequence and biophysical properties (such as structural, functional, and spatial information, amino acid conservation, physicochemical variation, residue mobility, and thermodynamic stability) performed at Invitae indicates that this missense variant is not expected to disrupt SBF2 protein function. This variant has not been reported in the literature in individuals affected with SBF2-related conditions. This variant is not present in population databases (gnomAD no frequency). This sequence change replaces threonine, which is neutral and polar, with isoleucine, which is neutral and non-polar, at codon 343 of the SBF2 protein (p.Thr343Ile).